The following is an entry in ClinVar:

ClinVar aggregate classification (germline): Pathogenic (1 of 4 stars; one submission).

Conditions:
Intellectual developmental disorder, autosomal dominant 64. Also called: MENTAL RETARDATION, AUTOSOMAL DOMINANT 64. Identifiers: MedGen C5543067, MONDO:0030934, OMIM 619188.

Submission:

Molecular Genetics Laboratory, Motol Hospital
Classification: Pathogenic for Intellectual developmental disorder, autosomal dominant 64. Last evaluated: 2025-09-15. Review status: criteria provided, single submitter. Criteria: ACMG Guidelines, 2015. Collection method: clinical testing. Allele origin: de novo. Affected: yes. Observed: 1 variant allele.
Comment: Not present in gnomAD (v4.1.0), dbSNP or ClinVar (PM2). Rare truncating variants affecting the ZNF292 gene are associated with autosomal dominant "intellectual developmental disorder-64" (MRD64, MIM:619188; PMID:31723249;PMID:40257863) (PVS1). To conclude, the variant is classified as pathogenic (ACMG PVS1, PM2, PS2).

Literature cited by the submitters: PubMed 31723249; PubMed 40257863.

NM_015021.3(ZNF292):c.4098G>A (p.Trp1366Ter)

Gene: ZNF292 (zinc finger protein 292; plus strand). Cytogenetic location: 6q14.3.
Variant type: single nucleotide variant.
Coding change: c.4098G>A on transcript NM_015021.3 (MANE Select); coding-DNA position 4098, G replaced by A.
Protein change: p.Trp1366Ter; replaces tryptophan 1366 with a stop codon.
Molecular consequence: nonsense.
Genome position (GRCh38, 1-based): chr6:87,257,727, G>A. VCF-style: chr6-87257727-G-A. GRCh37 (hg19) VCF-style: chr6-87967445-G-A.
Other names: c.3678G>A, p.Trp1226Ter (NM_001351444.2); short protein forms W1226*, W1366*.
Identifiers: ClinVar variation 4086075 (VCV004086075.1).